The following is an entry in ClinVar:

NM_015631.6(TCTN3):c.1669A>G (p.Arg557Gly)

Gene: TCTN3 (tectonic family member 3; minus strand). Cytogenetic location: 10q24.1.
Variant type: single nucleotide variant.
Coding change: c.1669A>G on transcript NM_015631.6 (MANE Select); coding-DNA position 1669, A replaced by G.
Protein change: p.Arg557Gly; replaces arginine 557 with glycine.
Molecular consequence: missense variant.
Genome position (GRCh38, 1-based): chr10:95,664,222, T>C on the plus strand (A>G on the coding strand, the complement: TCTN3 is on the minus strand). VCF-style: chr10-95664222-T-C. GRCh37 (hg19) VCF-style: chr10-97423979-T-C.
Other names: c.1723A>G, p.Arg575Gly (NM_001013840.1); c.1225A>G, p.Arg409Gly (NM_001143973.2); c.1573A>G, p.Arg525Gly (NM_001410982.1); short protein forms R525G, R557G, R575G, R409G.
Identifiers: ClinVar variation 2081732 (VCV002081732.3), dbSNP rs754193676, ClinGen allele CA5620757.

ClinVar aggregate classification (germline): Uncertain significance (1 of 4 stars; one submission).

Conditions:
Joubert syndrome 18 (JBTS18). Identifiers: Orphanet 2754, MedGen C3553758, MONDO:0013896, OMIM 614815.
Orofacial-digital syndrome IV (OFD4). Also called: BARAITSER-BURN SYNDROME; OFD SYNDROME WITH TIBIAL DEFECTS; OFD SYNDROME, BARAITSER-BURN TYPE; OFDS IV; ORAL-FACIAL-DIGITAL SYNDROME, TYPE IV; Orofaciodigital syndrome IV. Identifiers: Orphanet 2753, MedGen C0406727, MONDO:0009794, OMIM 258860.

Allele frequency attached by ClinVar (database versions not stated): ExAC 0.00001; gnomAD 0.00001; gnomAD exomes 0.00001; TOPMed 0.00018.
gnomAD v4.1: 35 of 1,614,070 alleles (0.0022%); highest among the groups gnomAD compares: Admixed American, 0.0033%; no homozygotes.

Submission:

Labcorp Genetics (formerly Invitae), Labcorp
Classification: Uncertain significance for Joubert syndrome 18; Orofacial-digital syndrome IV. Last evaluated: 2022-05-16. Review status: criteria provided, single submitter. Criteria: Invitae Variant Classification Sherloc (09022015). Collection method: clinical testing. Allele origin: germline.
Comment: This variant is present in population databases (rs754193676, gnomAD 0.003%). This sequence change replaces arginine, which is basic and polar, with glycine, which is neutral and non-polar, at codon 557 of the TCTN3 protein (p.Arg557Gly). This variant has not been reported in the literature in individuals affected with TCTN3-related conditions. In summary, the available evidence is currently insufficient to determine the role of this variant in disease. Therefore, it has been classified as a Variant of Uncertain Significance. Algorithms developed to predict the effect of missense changes on protein structure and function are either unavailable or do not agree on the potential impact of this missense change (SIFT: "Deleterious"; PolyPhen-2: "Probably Damaging"; Align-GVGD: "Class C0").